The following is an entry in ClinVar:

ClinVar aggregate classification (germline): Uncertain significance. Review status: criteria provided, multiple submitters, no conflicts (2 of 4 stars). 2 submissions from 2 submitters: Uncertain significance (2). Last evaluated 2025-08-09.

Conditions:
Inborn genetic diseases. Identifiers: MedGen C0950123, MeSH D030342.

gnomAD v4.1: 1 of 1,613,548 alleles (0.000062%); no homozygotes.

Submissions (2):

Labcorp Genetics (formerly Invitae), Labcorp
Classification: Uncertain significance. Last evaluated: 2025-08-09. Review status: criteria provided, single submitter. Criteria: Invitae Variant Classification Sherloc (09022015). Collection method: clinical testing. Allele origin: germline.
Comment: This sequence change replaces threonine, which is neutral and polar, with isoleucine, which is neutral and non-polar, at codon 771 of the SAMD9L protein (p.Thr771Ile). This variant is present in population databases (no rsID available, gnomAD 0.01%). This variant has not been reported in the literature in individuals affected with SAMD9L-related conditions. ClinVar contains an entry for this variant (Variation ID: 3695420). Invitae Evidence Modeling of protein sequence and biophysical properties (such as structural, functional, and spatial information, amino acid conservation, physicochemical variation, residue mobility, and thermodynamic stability) indicates that this missense variant is not expected to disrupt SAMD9L protein function with a negative predictive value of 80%. In summary, the available evidence is currently insufficient to determine the role of this variant in disease. Therefore, it has been classified as a Variant of Uncertain Significance.

Ambry Genetics
Classification: Uncertain significance for Inborn genetic diseases. Last evaluated: 2025-07-09. Review status: criteria provided, single submitter. Criteria: Ambry Variant Classification Scheme 2023. Collection method: clinical testing. Allele origin: germline.
Comment: The p.T771I variant (also known as c.2312C>T), located in coding exon 1 of the SAMD9L gene, results from a C to T substitution at nucleotide position 2312. The threonine at codon 771 is replaced by isoleucine, an amino acid with similar properties. This amino acid position is conserved. In addition, this alteration is predicted to be tolerated by in silico analysis. Based on the available evidence, the clinical significance of this variant remains unclear.

NM_152703.5(SAMD9L):c.2312C>T (p.Thr771Ile)

Gene: SAMD9L (sterile alpha motif domain containing 9 like; minus strand). Cytogenetic location: 7q21.2.
Variant type: single nucleotide variant.
Coding change: c.2312C>T on transcript NM_152703.5 (MANE Select); coding-DNA position 2312, C replaced by T.
Protein change: p.Thr771Ile; replaces threonine 771 with isoleucine.
Molecular consequence: missense variant.
Genome position (GRCh38, 1-based): chr7:93,133,660, G>A on the plus strand (C>T on the coding strand, the complement: SAMD9L is on the minus strand). VCF-style: chr7-93133660-G-A. GRCh37 (hg19) VCF-style: chr7-92762973-G-A.
Other names: c.2312C>T (NM_152703.2); c.2312C>T, p.Thr771Ile (NM_001303496.3, NM_001303497.3, NM_001303498.3 and 5 more transcripts); short protein forms T771I.
Identifiers: ClinVar variation 3695420 (VCV003695420.3).